The following is an entry in ClinVar:

ClinVar aggregate classification (germline): Uncertain significance (1 of 4 stars; one submission).

Submission:

GeneDx
Classification: Uncertain significance. Last evaluated: 2023-07-06. Review status: criteria provided, single submitter. Criteria: GeneDx Variant Classification Process June 2021. Collection method: clinical testing. Allele origin: germline. Affected: yes.
Comment: Not observed at significant frequency in large population cohorts (gnomAD); In silico analysis supports that this missense variant does not alter protein structure/function; Has not been previously published as pathogenic or benign to our knowledge

NM_001101362.3(KBTBD13):c.865G>A (p.Ala289Thr)

Gene: KBTBD13 (kelch repeat and BTB domain containing 13; plus strand). Cytogenetic location: 15q22.31.
Variant type: single nucleotide variant.
Coding change: c.865G>A on transcript NM_001101362.3 (MANE Select); coding-DNA position 865, G replaced by A.
Protein change: p.Ala289Thr; replaces alanine 289 with threonine.
Molecular consequence: missense variant.
Genome position (GRCh38, 1-based): chr15:65,077,680, G>A. VCF-style: chr15-65077680-G-A. GRCh37 (hg19) VCF-style: chr15-65370018-G-A.
Other names: short protein forms A289T.
Identifiers: ClinVar variation 3360903 (VCV003360903.1).